The following is an entry in ClinVar:

ClinVar aggregate classification (germline): Uncertain significance. Review status: criteria provided, multiple submitters, no conflicts (2 of 4 stars). 2 submissions from 2 submitters: Uncertain significance (2). Last evaluated 2024-10-24.

Conditions:
Facial dysmorphism-immunodeficiency-livedo-short stature syndrome. Also called: FILS syndrome; Facial dysmorphism, immunodeficiency, livedo, and short stature. Identifiers: Orphanet 352712, MedGen C3554576, MONDO:0014058, OMIM 615139.
Colorectal cancer, susceptibility to, 12 (CRCS12). Also called: COLORECTAL CANCER, SUSCEPTIBILITY TO, ON CHROMOSOME 12q24. Identifiers: Orphanet 220460, MedGen C3554460, MONDO:0014038, OMIM 615083.
Intrauterine growth retardation, metaphyseal dysplasia, adrenal hypoplasia congenita, genital anomalies, and immunodeficiency. Also called: IMAGEI SYNDROME. Identifiers: MedGen C5193036, MONDO:0032684, OMIM 618336.

gnomAD v4.1: 6 of 1,613,616 alleles (0.00037%); highest among the groups gnomAD compares: Non-Finnish European, 0.00051%; no homozygotes.

Submissions (2):

Labcorp Genetics (formerly Invitae), Labcorp
Classification: Uncertain significance. Last evaluated: 2024-10-24. Review status: criteria provided, single submitter. Criteria: Invitae Variant Classification Sherloc (09022015). Collection method: clinical testing. Allele origin: germline.
Comment: This sequence change replaces proline, which is neutral and non-polar, with leucine, which is neutral and non-polar, at codon 1547 of the POLE protein (p.Pro1547Leu). This variant is not present in population databases (gnomAD no frequency). This variant has not been reported in the literature in individuals affected with POLE-related conditions. Invitae Evidence Modeling of protein sequence and biophysical properties (such as structural, functional, and spatial information, amino acid conservation, physicochemical variation, residue mobility, and thermodynamic stability) indicates that this missense variant is not expected to disrupt POLE protein function with a negative predictive value of 80%. In summary, the available evidence is currently insufficient to determine the role of this variant in disease. Therefore, it has been classified as a Variant of Uncertain Significance.

Department of Pathology and Laboratory Medicine, Sinai Health System
Classification: Uncertain significance for Colorectal cancer, susceptibility to, 12; Facial dysmorphism-immunodeficiency-livedo-short stature syndrome; Intrauterine growth retardation, metaphyseal dysplasia, adrenal hypoplasia congenita, genital anomalies, and immunodeficiency. Last evaluated: 2020-03-11. Review status: criteria provided, single submitter. Criteria: ACMG Guidelines, 2015. Collection method: clinical testing. Allele origin: germline.

NM_006231.4(POLE):c.4640C>T (p.Pro1547Leu)

Gene: POLE (DNA polymerase epsilon, catalytic subunit; minus strand). Cytogenetic location: 12q24.33.
Variant type: single nucleotide variant.
Coding change: c.4640C>T on transcript NM_006231.4 (MANE Select); coding-DNA position 4640, C replaced by T.
Protein change: p.Pro1547Leu; replaces proline 1547 with leucine.
Molecular consequence: missense variant.
Genome position (GRCh38, 1-based): chr12:132,642,908, G>A on the plus strand (C>T on the coding strand, the complement: POLE is on the minus strand). VCF-style: chr12-132642908-G-A. GRCh37 (hg19) VCF-style: chr12-133219494-G-A.
Other names: short protein forms P1547L.
Identifiers: ClinVar variation 3622936 (VCV003622936.3).